The following is an entry in ClinVar:

ClinVar aggregate classification (germline): Benign/Likely benign. Review status: criteria provided, multiple submitters, no conflicts (2 of 4 stars). 6 submissions from 6 submitters: Benign (2); Likely benign (2). 2 of the submissions do not count toward it. Last evaluated 2026-01-31.

Allele frequency attached by ClinVar (database versions not stated): 1000 Genomes Project 0.01198; ExAC 0.00372; ESP Exome Variant Server 0.01438; gnomAD exomes 0.00316; gnomAD 0.01236 and 0.01341; 1000 Genomes Project 30x 0.01343; TOPMed 0.01505.
gnomAD v4.1: 3,857 of 1,614,228 alleles (0.24%); highest among the groups gnomAD compares: African/African-American, 4.4%; 79 homozygotes.

Submissions (6):

Labcorp Genetics (formerly Invitae), Labcorp
Classification: Benign. Last evaluated: 2026-01-31. Review status: criteria provided, single submitter. Criteria: Invitae Variant Classification Sherloc (09022015). Collection method: clinical testing. Allele origin: germline.

Women's Health and Genetics/Laboratory Corporation of America, LabCorp
Classification: Likely benign. Last evaluated: 2025-02-09. Review status: criteria provided, single submitter. Criteria: LabCorp Variant Classification Summary - May 2015. Collection method: clinical testing. Allele origin: germline.

Mayo Clinic Laboratories, Mayo Clinic
Classification: Likely benign. Last evaluated: 2023-10-19. Review status: criteria provided, single submitter. Criteria: ACMG Guidelines, 2015. Collection method: clinical testing. Allele origin: germline. Observed: 12 variant alleles.
Comment: BS1, BP4

PreventionGenetics, part of Exact Sciences
Classification: Benign. Review status: criteria provided, single submitter. Criteria: ACMG Guidelines, 2015. Collection method: clinical testing. Allele origin: germline.

Genome Diagnostics Laboratory, University Medical Center Utrecht
Classification: Likely benign. Review status: no assertion criteria provided. Collection method: clinical testing. Allele origin: germline. Affected: yes. Study: VKGL Data-share Consensus. Not counted in ClinVar's aggregate classification.

Laboratory of Diagnostic Genome Analysis, Leiden University Medical Center (LUMC)
Classification: Likely benign. Review status: no assertion criteria provided. Collection method: clinical testing. Allele origin: germline. Affected: yes. Study: VKGL Data-share Consensus. Not counted in ClinVar's aggregate classification.

Literature cited by the submitters: PubMed 31898847 (cited by Mayo Clinic Laboratories, Mayo Clinic).

NM_032122.5(DTNBP1):c.886C>T (p.Pro296Ser)

Gene: DTNBP1 (dystrobrevin binding protein 1; minus strand). Cytogenetic location: 6p22.3.
Variant type: single nucleotide variant.
Coding change: c.886C>T on transcript NM_032122.5 (MANE Select); coding-DNA position 886, C replaced by T.
Protein change: p.Pro296Ser; replaces proline 296 with serine.
Molecular consequence: missense variant.
Genome position (GRCh38, 1-based): chr6:15,523,145, G>A on the plus strand (C>T on the coding strand, the complement: DTNBP1 is on the minus strand). VCF-style: chr6-15523145-G-A. GRCh37 (hg19) VCF-style: chr6-15523376-G-A.
Other names: p.Pro296Ser; c.643C>T, p.Pro215Ser (NM_001271667.2); c.835C>T, p.Pro279Ser (NM_001271668.2); c.781C>T, p.Pro261Ser (NM_001271669.2); short protein forms P296S, P215S, P279S, P261S.
Identifiers: ClinVar variation 262013 (VCV000262013.16), dbSNP rs74907982, ClinGen allele CA3643705.